The following is an entry in ClinVar:

ClinVar aggregate classification (germline): Uncertain significance (1 of 4 stars; one submission).

Allele frequency attached by ClinVar (database versions not stated): gnomAD 0.00001.

Submission:

Labcorp Genetics (formerly Invitae), Labcorp
Classification: Uncertain significance. Last evaluated: 2024-02-24. Review status: criteria provided, single submitter. Criteria: Invitae Variant Classification Sherloc (09022015). Collection method: clinical testing. Allele origin: germline.
Comment: This sequence change replaces glutamic acid, which is acidic and polar, with lysine, which is basic and polar, at codon 257 of the TRPV3 protein (p.Glu257Lys). This variant is not present in population databases (gnomAD no frequency). This variant has not been reported in the literature in individuals affected with TRPV3-related conditions. ClinVar contains an entry for this variant (Variation ID: 1946309). An algorithm developed to predict the effect of missense changes on protein structure and function (PolyPhen-2) suggests that this variant is likely to be tolerated. In summary, the available evidence is currently insufficient to determine the role of this variant in disease. Therefore, it has been classified as a Variant of Uncertain Significance.

NM_145068.4(TRPV3):c.769G>A (p.Glu257Lys)

Gene: TRPV3 (transient receptor potential cation channel subfamily V member 3; minus strand). Cytogenetic location: 17p13.2.
Variant type: single nucleotide variant.
Coding change: c.769G>A on transcript NM_145068.4 (MANE Select); coding-DNA position 769, G replaced by A.
Protein change: p.Glu257Lys; replaces glutamic acid 257 with lysine.
Molecular consequence: missense variant.
Genome position (GRCh38, 1-based): chr17:3,535,588, C>T on the plus strand (G>A on the coding strand, the complement: TRPV3 is on the minus strand). VCF-style: chr17-3535588-C-T. GRCh37 (hg19) VCF-style: chr17-3438882-C-T.
Other names: c.769G>A, p.Glu257Lys (NM_001258205.2); short protein forms E257K.
Identifiers: ClinVar variation 1946309 (VCV001946309.5), dbSNP rs1168289054, ClinGen allele CA397686709.